The following is an entry in ClinVar:

ClinVar aggregate classification (germline): Uncertain significance (1 of 4 stars; one submission).

gnomAD v4.1: 1 of 1,614,140 alleles (0.000062%); no homozygotes.

Submission:

CeGaT Center for Human Genetics Tuebingen
Classification: Uncertain significance. Last evaluated: 2022-11-01. Review status: criteria provided, single submitter. Criteria: CeGaT Center For Human Genetics Tuebingen Variant Classification Criteria Version 2. Collection method: clinical testing. Allele origin: germline. Affected: yes. Observed: 1 variant allele.
Comment: TG: PM2, PP3

NM_003235.5(TG):c.6397G>C (p.Glu2133Gln)

Gene: TG (thyroglobulin; plus strand). Cytogenetic location: 8q24.22.
Variant type: single nucleotide variant.
Coding change: c.6397G>C on transcript NM_003235.5 (MANE Select); coding-DNA position 6397, G replaced by C.
Protein change: p.Glu2133Gln; replaces glutamic acid 2133 with glutamine.
Molecular consequence: missense variant.
Genome position (GRCh38, 1-based): chr8:133,012,035, G>C. VCF-style: chr8-133012035-G-C. GRCh37 (hg19) VCF-style: chr8-134024280-G-C.
Other names: short protein forms E2133Q.
Identifiers: ClinVar variation 2658837 (VCV002658837.24), dbSNP rs1564071404, ClinGen allele CA372229887.